The following is an entry in ClinVar:

NM_001102564.3(IFT43):c.1A>C (p.Met1Leu)

Gene: IFT43 (intraflagellar transport 43; plus strand). Cytogenetic location: 14q24.3.
Variant type: single nucleotide variant.
Coding change: c.1A>C on transcript NM_001102564.3 (MANE Select); coding-DNA position 1, A replaced by C.
Protein change: p.Met1Leu; changes the start codon (methionine 1).
Molecular consequence: missense variant, initiator codon variant. On other transcripts: non-coding transcript variant (2).
Genome position (GRCh38, 1-based): chr14:75,985,787, A>C. VCF-style: chr14-75985787-A-C. GRCh37 (hg19) VCF-style: chr14-76452130-A-C.
Other names: c.1A>C, p.Met1Leu (NM_001255995.3, NM_052873.3); short protein forms M1L.
Identifiers: ClinVar variation 1452113 (VCV001452113.6), dbSNP rs387907107, ClinGen allele CA390472784.

ClinVar aggregate classification (germline): Pathogenic (1 of 4 stars; one submission).

Allele frequency attached by ClinVar (database versions not stated): gnomAD 0.00001.

Submission:

Labcorp Genetics (formerly Invitae), Labcorp
Classification: Pathogenic. Last evaluated: 2024-11-22. Review status: criteria provided, single submitter. Criteria: Invitae Variant Classification Sherloc (09022015). Collection method: clinical testing. Allele origin: germline.
Comment: This sequence change affects the initiator methionine of the IFT43 mRNA. The next in-frame methionine is located at codon 22. This variant is not present in population databases (gnomAD no frequency). Disruption of the initiator codon has been observed in individuals with Sensenbrenner syndrome and/or short rib polydactyly syndrome (PMID: 21378380, 28400947, 29896747). It has also been observed to segregate with disease in related individuals. ClinVar contains an entry for this variant (Variation ID: 1452113). For these reasons, this variant has been classified as Pathogenic.

Literature cited by the submitters: PubMed 21378380; PubMed 28400947; PubMed 29896747.